The following is an entry in ClinVar:

NM_015559.3(SETBP1):c.4432T>G (p.Cys1478Gly)

Gene: SETBP1 (SET binding protein 1; plus strand). Cytogenetic location: 18q12.3.
Variant type: single nucleotide variant.
Coding change: c.4432T>G on transcript NM_015559.3 (MANE Select); coding-DNA position 4432, T replaced by G.
Protein change: p.Cys1478Gly; replaces cysteine 1478 with glycine.
Molecular consequence: missense variant.
Genome position (GRCh38, 1-based): chr18:45,063,339, T>G. VCF-style: chr18-45063339-T-G. GRCh37 (hg19) VCF-style: chr18-42643304-T-G.
Other names: c.4432T>G, p.Cys1478Gly (NM_001379141.1, NM_001379142.1); short protein forms C1478G.
Identifiers: ClinVar variation 1314998 (VCV001314998.2), dbSNP rs2145593674, ClinGen allele CA402483398.

ClinVar aggregate classification (germline): Uncertain significance (1 of 4 stars; one submission).

Submission:

GeneDx
Classification: Uncertain significance. Last evaluated: 2021-04-30. Review status: criteria provided, single submitter. Criteria: GeneDx Variant Classification Process June 2021. Collection method: clinical testing. Allele origin: germline. Affected: yes.
Comment: Not observed in large population cohorts (Lek et al., 2016); In silico analysis supports that this missense variant does not alter protein structure/function; Has not been previously published as pathogenic or benign to our knowledge